The following is an entry in ClinVar:

ClinVar aggregate classification (germline): Uncertain significance (1 of 4 stars; one submission).

Conditions:
Congenital disorder of glycosylation (CDG). Also called: Carbohydrate-deficient glycoprotein syndrome; Congenital disorders of glycosylation. Identifiers: Orphanet 137, MedGen C0282577, MONDO:0015286.

gnomAD v4.1: 1 of 1,614,126 alleles (0.000062%); highest among the groups gnomAD compares: Non-Finnish European, 0.000085%; no homozygotes.

Submission:

Labcorp Genetics (formerly Invitae), Labcorp
Classification: Uncertain significance for Congenital disorder of glycosylation. Last evaluated: 2025-07-05. Review status: criteria provided, single submitter. Criteria: Invitae Variant Classification Sherloc (09022015). Collection method: clinical testing. Allele origin: germline.
Comment: This sequence change replaces leucine, which is neutral and non-polar, with phenylalanine, which is neutral and non-polar, at codon 152 of the RPN2 protein (p.Leu152Phe). This variant is not present in population databases (gnomAD no frequency). This variant has not been reported in the literature in individuals affected with RPN2-related conditions. An algorithm developed to predict the effect of missense changes on protein structure and function (PolyPhen-2) suggests that this variant is likely to be disruptive. In summary, the available evidence is currently insufficient to determine the role of this variant in disease. Therefore, it has been classified as a Variant of Uncertain Significance.

NM_002951.5(RPN2):c.454C>T (p.Leu152Phe)

Gene: RPN2 (ribophorin II; plus strand). Cytogenetic location: 20q11.23.
Variant type: single nucleotide variant.
Coding change: c.454C>T on transcript NM_002951.5 (MANE Select); coding-DNA position 454, C replaced by T.
Protein change: p.Leu152Phe; replaces leucine 152 with phenylalanine.
Molecular consequence: missense variant. On other transcripts: intron variant (1).
Genome position (GRCh38, 1-based): chr20:37,199,200, C>T. VCF-style: chr20-37199200-C-T. GRCh37 (hg19) VCF-style: chr20-35827603-C-T.
Other names: c.358C>T, p.Leu120Phe (NM_001135771.3); c.454C>T, p.Leu152Phe (NM_001324299.2, NM_001324301.2, NM_001324302.2 and 3 more transcripts); c.9-4685C>T (NM_001324306.2); short protein forms L120F, L152F.
Identifiers: ClinVar variation 4811931 (VCV004811931.1).